The following is an entry in ClinVar:

NM_001365999.1(SZT2):c.9686C>T (p.Ala3229Val)

Genes: SZT2 (SZT2 subunit of KICSTOR complex; plus strand), SZT2-AS1 (SZT2 antisense RNA 1; minus strand). Cytogenetic location: 1p34.2.
Variant type: single nucleotide variant.
Coding change: c.9686C>T on transcript NM_001365999.1 (MANE Select); coding-DNA position 9686, C replaced by T.
Protein change: p.Ala3229Val; replaces alanine 3229 with valine.
Molecular consequence: missense variant. On other transcripts: non-coding transcript variant (1).
Genome position (GRCh38, 1-based): chr1:43,448,201, C>T. VCF-style: chr1-43448201-C-T. GRCh37 (hg19) VCF-style: chr1-43913872-C-T.
Other names: c.9515C>T, p.Ala3172Val (NM_015284.4); c.1127C>T, p.Ala376Val (NM_024547.1); short protein forms A3172V, A376V, A3229V.
Identifiers: ClinVar variation 2170062 (VCV002170062.1), dbSNP rs1655924619, ClinGen allele CA340044147.

ClinVar aggregate classification (germline): Uncertain significance (1 of 4 stars; one submission).

Allele frequency attached by ClinVar (database versions not stated): gnomAD exomes below 0.00001; TOPMed below 0.00001.
gnomAD v4.1: 1 of 1,610,224 alleles (0.000062%); highest among the groups gnomAD compares: Non-Finnish European, 0.000085%; no homozygotes.

Submission:

Labcorp Genetics (formerly Invitae), Labcorp
Classification: Uncertain significance. Last evaluated: 2022-07-14. Review status: criteria provided, single submitter. Criteria: Invitae Variant Classification Sherloc (09022015). Collection method: clinical testing. Allele origin: germline.
Comment: This sequence change replaces alanine, which is neutral and non-polar, with valine, which is neutral and non-polar, at codon 3172 of the SZT2 protein (p.Ala3172Val). This variant is not present in population databases (gnomAD no frequency). This variant has not been reported in the literature in individuals affected with SZT2-related conditions. Algorithms developed to predict the effect of missense changes on protein structure and function output the following: SIFT: "Tolerated"; PolyPhen-2: "Benign"; Align-GVGD: "Class C0". The valine amino acid residue is found in multiple mammalian species, which suggests that this missense change does not adversely affect protein function. In summary, the available evidence is currently insufficient to determine the role of this variant in disease. Therefore, it has been classified as a Variant of Uncertain Significance.